The following is an entry in ClinVar:

NM_152281.3(GORAB):c.485G>A (p.Arg162His)

Gene: GORAB (golgin, RAB6 interacting; plus strand). Cytogenetic location: 1q24.2.
Variant type: single nucleotide variant.
Coding change: c.485G>A on transcript NM_152281.3 (MANE Select); coding-DNA position 485, G replaced by A.
Protein change: p.Arg162His; replaces arginine 162 with histidine.
Molecular consequence: missense variant. On other transcripts: non-coding transcript variant (1).
Genome position (GRCh38, 1-based): chr1:170,542,556, G>A. VCF-style: chr1-170542556-G-A. GRCh37 (hg19) VCF-style: chr1-170511697-G-A.
Other names: c.485G>A, p.Arg162His (NM_001146039.2); c.20G>A, p.Arg7His (NM_001320252.2); short protein forms R162H, R7H.
Identifiers: ClinVar variation 1021150 (VCV001021150.2), dbSNP rs372317061, ClinGen allele CA1239136.

ClinVar aggregate classification (germline): Uncertain significance (1 of 4 stars; one submission).

Allele frequency attached by ClinVar (database versions not stated): TOPMed 0.00003; ESP Exome Variant Server 0.00008; gnomAD exomes 0.00004.

Submission:

Labcorp Genetics (formerly Invitae), Labcorp
Classification: Uncertain significance. Last evaluated: 2022-09-29. Review status: criteria provided, single submitter. Criteria: Invitae Variant Classification Sherloc (09022015). Collection method: clinical testing. Allele origin: germline.
Comment: This sequence change replaces arginine, which is basic and polar, with histidine, which is basic and polar, at codon 187 of the GORAB protein (p.Arg187His). This variant is present in population databases (rs372317061, gnomAD 0.04%). This variant has not been reported in the literature in individuals affected with GORAB-related conditions. ClinVar contains an entry for this variant (Variation ID: 1021150). Algorithms developed to predict the effect of missense changes on protein structure and function are either unavailable or do not agree on the potential impact of this missense change (SIFT: "Deleterious"; PolyPhen-2: "Probably Damaging"; Align-GVGD: "Class C0"). In summary, the available evidence is currently insufficient to determine the role of this variant in disease. Therefore, it has been classified as a Variant of Uncertain Significance.